The following is an entry in ClinVar:

ClinVar aggregate classification (germline): Pathogenic (1 of 4 stars; one submission).

Conditions:
Cerebral arteriopathy, autosomal dominant, with subcortical infarcts and leukoencephalopathy, type 1 (CADASIL1). Also called: DEMENTIA, HEREDITARY MULTIINFARCT TYPE; CADASIL 1; CASIL; Cerebral arteriopathy with subcortical infarcts and leukoencephalopathy 1. Identifiers: Orphanet 136, MedGen C4551768, MONDO:0000914, OMIM 125310.

Submission:

MGZ Medical Genetics Center
Classification: Pathogenic for Cerebral arteriopathy, autosomal dominant, with subcortical infarcts and leukoencephalopathy, type 1. Last evaluated: 2022-07-28. Review status: criteria provided, single submitter. Criteria: ACMG Guidelines, 2015. Collection method: clinical testing. Allele origin: germline. Affected: yes. Observed: 1 variant allele.
Comment: ACMG criteria applied: PM1_STR, PM5_STR, PM2_SUP, PP2, PP3

NM_000435.3(NOTCH3):c.547T>A (p.Cys183Ser)

Gene: NOTCH3 (notch receptor 3; minus strand). Cytogenetic location: 19p13.12.
Variant type: single nucleotide variant.
Coding change: c.547T>A on transcript NM_000435.3 (MANE Select); coding-DNA position 547, T replaced by A.
Protein change: p.Cys183Ser; replaces cysteine 183 with serine.
Molecular consequence: missense variant.
Genome position (GRCh38, 1-based): chr19:15,192,092, A>T on the plus strand (T>A on the coding strand, the complement: NOTCH3 is on the minus strand). VCF-style: chr19-15192092-A-T. GRCh37 (hg19) VCF-style: chr19-15302903-A-T.
Other names: short protein forms C183S.
Identifiers: ClinVar variation 1709694 (VCV001709694.2), dbSNP rs2145441707, ClinGen allele CA404533627.
Genomic context (GRCh38, chr19:15,192,092, plus strand): 5'-GTGCACAGGGCACCGCGGGGTTCTCACATAGTGGCCCTGTGTAGCCAGCTGGACACTGGC[A>T]GCGGAAGGAGCCAGGTGTGTTGAGGCAGGTGCCACCATGGCGGCAGGGCTCACCCACCCG-3'
Protein context (NP_000426.2, residues 173-193): TCLNTPGSFR[Cys183Ser]QCPAGYTGPL